The following is an entry in ClinVar:

NM_001005373.4(LRSAM1):c.1913-189G>A

Gene: LRSAM1 (leucine rich repeat and sterile alpha motif containing 1; plus strand). Cytogenetic location: 9q34.11.
Variant type: single nucleotide variant.
Coding change: c.1913-189G>A on transcript NM_001005373.4 (MANE Select); 189 bases into the intron before coding-DNA position 1913, G replaced by A.
Molecular consequence: intron variant.
Genome position (GRCh38, 1-based): chr9:127,500,821, G>A. VCF-style: chr9-127500821-G-A. GRCh37 (hg19) VCF-style: chr9-130263100-G-A.
Other names: c.1913-189G>A (NM_138361.5, NM_001384142.1, NM_001005374.4); c.1814-189G>A (NM_001384143.1); c.1832-189G>A (NM_001190723.3); c.1124-189G>A (NM_001384144.1).
Identifiers: ClinVar variation 683147 (VCV000683147.1), dbSNP rs115498195, ClinGen allele CA13075816.

ClinVar aggregate classification (germline): Benign (1 of 4 stars; one submission).

Allele frequency attached by ClinVar (database versions not stated): gnomAD 0.02323 and 0.02491; TOPMed 0.02582; 1000 Genomes Project 0.02596; 1000 Genomes Project 30x 0.02858.
gnomAD v4.1: 3,495 of 152,316 alleles (2.3%); highest among the groups gnomAD compares: African/African-American, 8%; 150 homozygotes.

Submission:

GeneDx
Classification: Benign. Last evaluated: 2018-06-16. Review status: criteria provided, single submitter. Criteria: GeneDx Variant Classification (06012015). Collection method: clinical testing. Allele origin: germline. Affected: yes.
Comment: This variant is considered likely benign or benign based on one or more of the following criteria: it is a conservative change, it occurs at a poorly conserved position in the protein, it is predicted to be benign by multiple in silico algorithms, and/or has population frequency not consistent with disease.